The following is an entry in ClinVar:

NC_000011.10:g.(?_44171591)_(44206979_?)del

Gene: EXT2 (exostosin glycosyltransferase 2; plus strand). Cytogenetic location: 11p11.2.
Variant type: Deletion.
Identifiers: ClinVar variation 830413 (VCV000830413.8).

ClinVar aggregate classification (germline): Pathogenic (1 of 4 stars; one submission).

Conditions:
Exostoses, multiple, type 2 (EXT2). Also called: Hereditary Multiple Osteochondromatosis, Type II; EXOSTOSES, MULTIPLE, TYPE II. Identifiers: Orphanet 321, MedGen C1851413, MONDO:0007586, OMIM 133701.

Submission:

Labcorp Genetics (formerly Invitae), Labcorp
Classification: Pathogenic for Exostoses, multiple, type 2. Last evaluated: 2023-02-16. Review status: criteria provided, single submitter. Criteria: Invitae Variant Classification Sherloc (09022015). Collection method: clinical testing. Allele origin: germline.
Comment: This variant is a gross deletion of the genomic region encompassing exon(s) 8-10 of the EXT2 gene. This variant would be expected to be in-frame, preserving the integrity of the reading frame. A similar copy number variant has been observed in individual(s) with multiple osteochondromatosis (PMID: 18373409). The region of the EXT2 gene that includes exon(s) 8 has been determined to be clinically significant (PMID: 18165274, 19810120). Therefore, deletions that encompass that region are likely to be disease-causing. For these reasons, this variant has been classified as Pathogenic.

Literature cited by the submitters: PubMed 18373409; PubMed 18165274; PubMed 19810120.